The following is an entry in ClinVar:

NM_001261826.3(AP3D1):c.2668G>A (p.Val890Ile)

Gene: AP3D1 (adaptor related protein complex 3 subunit delta 1; minus strand). Cytogenetic location: 19p13.3.
Variant type: single nucleotide variant.
Coding change: c.2668G>A on transcript NM_001261826.3 (MANE Select); coding-DNA position 2668, G replaced by A.
Protein change: p.Val890Ile; replaces valine 890 with isoleucine.
Molecular consequence: missense variant. On other transcripts: intron variant (1).
Genome position (GRCh38, 1-based): chr19:2,113,347, C>T on the plus strand (G>A on the coding strand, the complement: AP3D1 is on the minus strand). VCF-style: chr19-2113347-C-T. GRCh37 (hg19) VCF-style: chr19-2113346-C-T.
Other names: c.2668G>A, p.Val890Ile (NM_001374799.1); c.2601+778G>A (NM_003938.8); short protein forms V890I.
Identifiers: ClinVar variation 1004325 (VCV001004325.8), dbSNP rs536158441, ClinGen allele CA9058780.

ClinVar aggregate classification (germline): Uncertain significance (1 of 4 stars; one submission).

Allele frequency attached by ClinVar (database versions not stated): gnomAD 0.00013 and 0.00026; gnomAD exomes 0.00013; 1000 Genomes Project 0.00020; ExAC 0.00058.
gnomAD v4.1: 31 of 239,160 alleles (0.013%); highest among the groups gnomAD compares: Admixed American, 0.06%; no homozygotes.

Submission:

Labcorp Genetics (formerly Invitae), Labcorp
Classification: Uncertain significance. Last evaluated: 2025-05-10. Review status: criteria provided, single submitter. Criteria: Invitae Variant Classification Sherloc (09022015). Collection method: clinical testing. Allele origin: germline.
Comment: This sequence change replaces valine, which is neutral and non-polar, with isoleucine, which is neutral and non-polar, at codon 890 of the AP3D1 protein (p.Val890Ile). The frequency data for this variant in the population databases is considered unreliable, as metrics indicate poor data quality at this position in the gnomAD database. This variant has not been reported in the literature in individuals affected with AP3D1-related conditions. ClinVar contains an entry for this variant (Variation ID: 1004325). An algorithm developed to predict the effect of missense changes on protein structure and function outputs the following: PolyPhen-2: "Benign". The isoleucine amino acid residue is found in multiple mammalian species, which suggests that this missense change does not adversely affect protein function. In summary, the available evidence is currently insufficient to determine the role of this variant in disease. Therefore, it has been classified as a Variant of Uncertain Significance.